The following is an entry in ClinVar:

ClinVar aggregate classification (germline): Likely benign (1 of 4 stars; one submission).

Conditions:
PKD1-related disorder. Also called: PKD1-related condition.

gnomAD v4.1: 85 of 1,548,326 alleles (0.0055%); highest among the groups gnomAD compares: African/African-American, 0.1%; no homozygotes.

Submission:

PreventionGenetics, part of Exact Sciences
Classification: Likely benign for PKD1-related condition. Last evaluated: 2026-02-16. Review status: criteria provided, single submitter. Criteria: ACMG Guidelines, 2015. Collection method: clinical testing. Allele origin: germline.
Comment: This variant is classified as likely benign based on ACMG/AMP sequence variant interpretation guidelines (Richards et al. 2015 PMID: 25741868, with internal and published modifications).

NM_001009944.3(PKD1):c.9390G>C (p.Arg3130=)

Gene: PKD1 (polycystin 1, transient receptor potential channel interacting; minus strand). Cytogenetic location: 16p13.3.
Variant type: single nucleotide variant.
Coding change: c.9390G>C on transcript NM_001009944.3 (MANE Select); coding-DNA position 9390, G replaced by C.
Protein change: p.Arg3130=; no amino-acid change (arginine 3130 retained).
Molecular consequence: synonymous variant.
Genome position (GRCh38, 1-based): chr16:2,102,068, C>G on the plus strand (G>C on the coding strand, the complement: PKD1 is on the minus strand). VCF-style: chr16-2102068-C-G. GRCh37 (hg19) VCF-style: chr16-2152069-C-G.
Other names: c.9390G>C, p.Arg3130= (NM_000296.4).
Identifiers: ClinVar variation 4984822 (VCV004984822.1).